The following is an entry in ClinVar:

ClinVar aggregate classification (germline): Pathogenic (1 of 4 stars; one submission).

Conditions:
Blepharophimosis, ptosis, and epicanthus inversus syndrome. Identifiers: Orphanet 126, MedGen C0220663, MONDO:0007201, OMIM 110100.

Submission:

Genomic Diagnostic Laboratory, Division of Genomic Diagnostics, Children's Hospital of Philadelphia
Classification: Pathogenic for Blepharophimosis, ptosis, and epicanthus inversus syndrome. Last evaluated: 2016-11-03. Review status: criteria provided, single submitter. Criteria: DGD Variant Analysis Guidelines. Collection method: clinical testing. Allele origin: germline. Affected: yes. Observed: 2 variant alleles.
Comment: Clinical Testing

NM_023067.4(FOXL2):c.205G>T (p.Glu69Ter)

Gene: FOXL2 (forkhead box L2; minus strand). Cytogenetic location: 3q22.3.
Variant type: single nucleotide variant.
Coding change: c.205G>T on transcript NM_023067.4 (MANE Select); coding-DNA position 205, G replaced by T.
Protein change: p.Glu69Ter; replaces glutamic acid 69 with a stop codon.
Molecular consequence: nonsense.
Genome position (GRCh38, 1-based): chr3:138,946,518, C>A on the plus strand (G>T on the coding strand, the complement: FOXL2 is on the minus strand). VCF-style: chr3-138946518-C-A. GRCh37 (hg19) VCF-style: chr3-138665360-C-A.
Other names: short protein forms E69*.
Identifiers: ClinVar variation 369893 (VCV000369893.1), dbSNP rs387906920, ClinGen allele CA10654901.